The following is an entry in ClinVar:

NM_145728.3(SYNM):c.457A>C (p.Arg153=)

Genes: SYNM (synemin; plus strand), SYNM-AS1 (SYNM antisense RNA 1; minus strand), LOC130058014 (ATAC-STARR-seq lymphoblastoid silent region 6864; plus strand). Cytogenetic location: 15q26.3.
Variant type: single nucleotide variant.
Coding change: c.457A>C on transcript NM_145728.3 (MANE Select); coding-DNA position 457, A replaced by C.
Protein change: p.Arg153=; no amino-acid change (arginine 153 retained).
Molecular consequence: synonymous variant.
Genome position (GRCh38, 1-based): chr15:99,105,656, A>C. VCF-style: chr15-99105656-A-C. GRCh37 (hg19) VCF-style: chr15-99645862-A-C.
Other names: c.457A>C, p.Arg153= (NM_015286.6).
Identifiers: ClinVar variation 3035829 (VCV003035829.2), dbSNP rs11014, ClinGen allele CA7753282.
Genomic context (GRCh38, chr15:99,105,656, plus strand): 5'-CTGCTGGGCCGGCTGCAGGCCGAGCGCCGAGGCCTCGACGCGGCCCACGAACGCGACGTG[A>C]GGGAGCTGCGCGCGCGCGCCGCCAGCCTTACCATGCATTTCCGCGCCCGCGCCACCGGCC-3'
Protein context (NP_663780.2, residues 143-163): GLDAAHERDV[Arg153=]ELRARAASLT

ClinVar aggregate classification (germline): Benign (0 of 4 stars; one submission).

Conditions:
SYNM-related disorder. Also called: SYNM-related condition.

Allele frequency attached by ClinVar (database versions not stated): ExAC 0.40538; gnomAD 0.41066; TOPMed 0.41977; 1000 Genomes Project 0.43271; 1000 Genomes Project 30x 0.44441.
gnomAD v4.1: 476,479 of 1,404,646 alleles (34%); highest among the groups gnomAD compares: African/African-American, 61%; 84,670 homozygotes.

Submission:

PreventionGenetics, part of Exact Sciences
Classification: Benign for SYNM-related condition. Last evaluated: 2019-10-17. Review status: no assertion criteria provided. Collection method: clinical testing. Allele origin: germline.
Comment: This variant is classified as benign based on ACMG/AMP sequence variant interpretation guidelines (Richards et al. 2015 PMID: 25741868, with internal and published modifications).